The following is an entry in ClinVar:

NM_174878.3(CLRN1):c.183G>T (p.Met61Ile)

Gene: CLRN1 (clarin 1; minus strand). Cytogenetic location: 3q25.1.
Variant type: single nucleotide variant.
Coding change: c.183G>T on transcript NM_174878.3 (MANE Select); coding-DNA position 183, G replaced by T.
Protein change: p.Met61Ile; replaces methionine 61 with isoleucine.
Molecular consequence: missense variant. On other transcripts: non-coding transcript variant (1).
Genome position (GRCh38, 1-based): chr3:150,972,526, C>A on the plus strand (G>T on the coding strand, the complement: CLRN1 is on the minus strand). VCF-style: chr3-150972526-C-A. GRCh37 (hg19) VCF-style: chr3-150690313-C-A.
Other names: c.183G>T, p.Met61Ile (NM_001195794.1, NM_001256819.2); short protein forms M61I.
Identifiers: ClinVar variation 3691231 (VCV003691231.1).

ClinVar aggregate classification (germline): Uncertain significance (1 of 4 stars; one submission).

gnomAD v4.1: 2 of 1,614,240 alleles (0.00012%); highest among the groups gnomAD compares: Non-Finnish European, 0.00017%; no homozygotes.

Submission:

Labcorp Genetics (formerly Invitae), Labcorp
Classification: Uncertain significance. Last evaluated: 2024-03-16. Review status: criteria provided, single submitter. Criteria: Invitae Variant Classification Sherloc (09022015). Collection method: clinical testing. Allele origin: germline.
Comment: This sequence change replaces methionine, which is neutral and non-polar, with isoleucine, which is neutral and non-polar, at codon 61 of the CLRN1 protein (p.Met61Ile). This variant is not present in population databases (gnomAD no frequency). This variant has not been reported in the literature in individuals affected with CLRN1-related conditions. Algorithms developed to predict the effect of missense changes on protein structure and function output the following: SIFT: "Not Available"; PolyPhen-2: "Benign"; Align-GVGD: "Not Available". The isoleucine amino acid residue is found in multiple mammalian species, which suggests that this missense change does not adversely affect protein function. In summary, the available evidence is currently insufficient to determine the role of this variant in disease. Therefore, it has been classified as a Variant of Uncertain Significance.